The following is an entry in ClinVar:

ClinVar aggregate classification (germline): Uncertain significance (1 of 4 stars; one submission).

Conditions:
Inborn genetic diseases. Identifiers: MedGen C0950123, MeSH D030342.

gnomAD v4.1: 4 of 1,614,056 alleles (0.00025%); highest among the groups gnomAD compares: Non-Finnish European, 0.00034%; no homozygotes.

Submission:

Ambry Genetics
Classification: Uncertain significance for Inborn genetic diseases. Last evaluated: 2019-12-23. Review status: criteria provided, single submitter. Criteria: Ambry Variant Classification Scheme 2023. Collection method: clinical testing. Allele origin: germline.
Comment: The p.R757L variant (also known as c.2270G>T), located in coding exon 13 of the TRPV4 gene, results from a G to T substitution at nucleotide position 2270. The arginine at codon 757 is replaced by leucine, an amino acid with dissimilar properties. This amino acid position is highly conserved in available vertebrate species. In addition, this alteration is predicted to be deleterious by in silico analysis. Since supporting evidence is limited at this time, the clinical significance of this alteration remains unclear.

NM_021625.5(TRPV4):c.2270G>T (p.Arg757Leu)

Gene: TRPV4 (transient receptor potential cation channel subfamily V member 4; minus strand). Cytogenetic location: 12q24.11.
Variant type: single nucleotide variant.
Coding change: c.2270G>T on transcript NM_021625.5 (MANE Select); coding-DNA position 2270, G replaced by T.
Protein change: p.Arg757Leu; replaces arginine 757 with leucine.
Molecular consequence: missense variant.
Genome position (GRCh38, 1-based): chr12:109,786,776, C>A on the plus strand (G>T on the coding strand, the complement: TRPV4 is on the minus strand). VCF-style: chr12-109786776-C-A. GRCh37 (hg19) VCF-style: chr12-110224581-C-A.
Other names: c.2129G>T, p.Arg710Leu (NM_001177428.2); c.2168G>T, p.Arg723Leu (NM_001177431.2); c.1949G>T, p.Arg650Leu (NM_001177433.2); c.2090G>T, p.Arg697Leu (NM_147204.3); short protein forms R723L, R757L, R650L, R697L, R710L.
Identifiers: ClinVar variation 1788781 (VCV001788781.2), dbSNP rs143835743, ClinGen allele CA243496377.